The following is an entry in ClinVar:

NM_001369369.1(FOXN1):c.1579_1580del (p.Gly526_Thr527insTer)

Gene: FOXN1 (forkhead box N1; plus strand). Cytogenetic location: 17q11.2.
Variant type: Deletion.
Coding change: c.1579_1580del on transcript NM_001369369.1 (MANE Select); coding-DNA positions 1579 to 1580, 2 bases deleted (AC; older notation c.1579_1580delAC).
Protein change: p.Gly526_Thr527insTer.
Molecular consequence: nonsense.
Genome position (GRCh38, 1-based): chr17:28,535,150-28,535,151, AC deleted; deleting any 2 consecutive bases within chr17:28,535,149-28,535,151 gives the same sequence; the c. name uses the placement nearest the transcript's 3' end. VCF-style (leftmost placement, unchanged base first): chr17-28535148-GCA-G. GRCh37 (hg19) VCF-style: chr17-26862166-GCA-G.
Other names: NM_003593.3:c.1579_1580del; c.1579_1580del, p.Gly526_Thr527insTer (NM_003593.3).
Identifiers: ClinVar variation 3367213 (VCV003367213.1).
Genomic context (GRCh38, chr17:28,535,148, plus strand): 5'-TGGCCGAGCCTTCCCCAGCCAGGACTATGCACGACACCCTGCTGCCAGATGGAGACCTTG[GCA>G]CTGACCTGGATGCCATCAATCCCTCACTCACTGACTTCGACTTCCAGGGTGAGCTGGGGG-3'

ClinVar aggregate classification (germline): Likely pathogenic (3 of 4 stars; one submission).

Conditions:
T-cell immunodeficiency, congenital alopecia, and nail dystrophy. Also called: Congenital alopecia and nail dystrophy associated with severe functional T-cell immunodeficiency; Pignata Guarino syndrome. Identifiers: Orphanet 169095, MedGen C1866426, MONDO:0011132, OMIM 601705.

Submission:

ClinGen Severe Combined Immunodeficiency Variant Curation Expert Panel, ClinGen
Classification: Likely pathogenic for T-cell immunodeficiency, congenital alopecia, and nail dystrophy. Last evaluated: 2024-09-27. Review status: reviewed by expert panel. Criteria: ClinGen SCID ACMG Specifications FOXN1 V1.0.0. Collection method: curation. Allele origin: germline. Inheritance: Semidominant inheritance.
Comment: The variant NM_001369369.1(FOXN1):c.1579_1580del (p.Thr527Ter) is a nonsense variant predicted to cause a premature stop codon (8/9) and escape nonsense mediated decay. The variant is predicted to remove >10% of the FOXN1 protein and truncate the transactivation domain, a domain important to protein function (PVS1_strong). The variant has been found in at least one homozygous patient with FOXN1 SCID (PM3_supporting, P11, PMIDs: 33464451, 31151968). This patient was whole exome sequenced, and displayed phenotypes including alopecia, nail dystrophy, very low T cell number counts for age, impaired proliferative response to PHA, and low CD8+ T cell number relative to age-matched controls (PP4). The variant is absent from gnomADv4.1 (PM2_supporting). In summary this variant meets criteria to be classified as likely pathogenic for semidominant T-cell immunodeficiency, congenital alopecia, and nail dystrophy due to FOXN1 deficiency based on the ACMG/AMP criteria applied: PVS1_strong, PM2_supporting, PP4, PM3_supporting as specified by the ClinGen SCID VCEP FOXN1 subgroup (Pilot, date of approval xx/xx/2024).